The following is an entry in ClinVar:

NC_000007.14:g.(?_158926167)_(158927063_?)del

Gene: DYNC2I1 (dynein 2 intermediate chain 1; plus strand). Cytogenetic location: 7q36.3.
Variant type: Deletion.
Identifiers: ClinVar variation 584053 (VCV000584053.1).

ClinVar aggregate classification (germline): Uncertain significance (1 of 4 stars; one submission).

Conditions:
Short-rib thoracic dysplasia 8 with or without polydactyly (SRTD8). Also called: SHORT-RIB THORACIC DYSPLASIA 8 WITH POLYDACTYLY. Identifiers: Orphanet 93271, MedGen C3809691, MONDO:0014214, OMIM 615503.

Submission:

Labcorp Genetics (formerly Invitae), Labcorp
Classification: Uncertain significance for Short-rib thoracic dysplasia 8 with or without polydactyly. Last evaluated: 2018-05-23. Review status: criteria provided, single submitter. Criteria: Invitae Variant Classification Sherloc (09022015). Collection method: clinical testing. Allele origin: germline.
Comment: This variant is an in-frame deletion of the genomic region encompassing exons 18-20 of the WDR60 gene. It preserves the integrity of the reading frame. This variant has not been reported in the literature in individuals with WDR60-related disease. Experimental studies and prediction algorithms are not available for this variant, and the functional significance of the deleted exons is currently unknown. In summary, the available evidence is currently insufficient to determine the role of this variant in disease. Therefore, it has been classified as a Variant of Uncertain Significance.